The following is an entry in ClinVar:

ClinVar aggregate classification (germline): Uncertain significance (1 of 4 stars; one submission).

Submission:

GeneDx
Classification: Uncertain significance. Last evaluated: 2025-08-14. Review status: criteria provided, single submitter. Criteria: GeneDx Variant Classification Process June 2021. Collection method: clinical testing. Allele origin: germline. Affected: yes.
Comment: Not observed at significant frequency in large population cohorts (gnomAD); In silico analysis suggests that this missense variant does not alter protein structure/function; Has not been previously published as pathogenic or benign to our knowledge

NM_018489.3(ASH1L):c.4875G>T (p.Lys1625Asn)

Gene: ASH1L (ASH1 like histone lysine methyltransferase; minus strand). Cytogenetic location: 1q22.
Variant type: single nucleotide variant.
Coding change: c.4875G>T on transcript NM_018489.3 (MANE Select); coding-DNA position 4875, G replaced by T.
Protein change: p.Lys1625Asn; replaces lysine 1625 with asparagine.
Molecular consequence: missense variant.
Genome position (GRCh38, 1-based): chr1:155,477,995, C>A on the plus strand (G>T on the coding strand, the complement: ASH1L is on the minus strand). VCF-style: chr1-155477995-C-A. GRCh37 (hg19) VCF-style: chr1-155447786-C-A.
Other names: c.4875G>T, p.Lys1625Asn (NM_001366177.2); short protein forms K1625N.
Identifiers: ClinVar variation 4795760 (VCV004795760.1).